The following is an entry in ClinVar:

NM_000489.6(ATRX):c.6959G>A (p.Ser2320Asn)

Gene: ATRX (ATRX chromatin remodeler; minus strand). Cytogenetic location: Xq21.1.
Variant type: single nucleotide variant.
Coding change: c.6959G>A on transcript NM_000489.6 (MANE Select); coding-DNA position 6959, G replaced by A.
Protein change: p.Ser2320Asn; replaces serine 2320 with asparagine.
Molecular consequence: missense variant.
Genome position (GRCh38, 1-based): chrX:77,522,279, C>T on the plus strand (G>A on the coding strand, the complement: ATRX is on the minus strand). VCF-style: chrX-77522279-C-T. GRCh37 (hg19) VCF-style: chrX-76777757-C-T.
Other names: c.6845G>A, p.Ser2282Asn (NM_138270.5); short protein forms S2320N, S2282N.
Identifiers: ClinVar variation 1480199 (VCV001480199.6), dbSNP rs2147748165, ClinGen allele CA413708428.

ClinVar aggregate classification (germline): Uncertain significance (1 of 4 stars; one submission).

Conditions:
Alpha thalassemia-X-linked intellectual disability syndrome (ATRX). Also called: X-linked alpha-thalassemia-mental retardation syndrome; ALPHA-THALASSEMIA/IMPAIRED INTELLECTUAL DEVELOPMENT SYNDROME, X-LINKED; ALPHA-THALASSEMIA/MENTAL RETARDATION SYNDROME, X-LINKED; ATR, NONDELETION TYPE; ATR-X syndrome; Alpha thalassemia mental retardation syndrome, nondeletion type, X-linked. Identifiers: Orphanet 847, MedGen C1845055, MONDO:0010519, OMIM 301040.

Submission:

Labcorp Genetics (formerly Invitae), Labcorp
Classification: Uncertain significance for Alpha thalassemia-X-linked intellectual disability syndrome. Last evaluated: 2021-10-09. Review status: criteria provided, single submitter. Criteria: Invitae Variant Classification Sherloc (09022015). Collection method: clinical testing. Allele origin: germline.
Comment: In summary, the available evidence is currently insufficient to determine the role of this variant in disease. Therefore, it has been classified as a Variant of Uncertain Significance. Algorithms developed to predict the effect of missense changes on protein structure and function (SIFT, PolyPhen-2, Align-GVGD) all suggest that this variant is likely to be tolerated. This variant has not been reported in the literature in individuals affected with ATRX-related conditions. This variant is not present in population databases (ExAC no frequency). This sequence change replaces serine with asparagine at codon 2320 of the ATRX protein (p.Ser2320Asn). The serine residue is moderately conserved and there is a small physicochemical difference between serine and asparagine.